The following continues an entry in ClinVar:

NM_000053.4(ATP7B):c.865C>T (p.Gln289Ter)

Gene: ATP7B. ClinVar aggregate classification (germline): Pathogenic/Likely pathogenic. Pathogenic (16); Likely pathogenic (1).

Submissions 13 to 19 of 19:

Mayo Clinic Laboratories, Mayo Clinic
Classification: Pathogenic. Last evaluated: 2019-12-26. Review status: criteria provided, single submitter. Criteria: ACMG Guidelines, 2015. Collection method: clinical testing. Allele origin: germline. Observed: 1 variant allele.
Comment: PVS1, PS4, PM2

Women's Health and Genetics/Laboratory Corporation of America, LabCorp
Classification: Pathogenic for Wilson disease. Last evaluated: 2019-07-16. Review status: criteria provided, single submitter. Criteria: LabCorp Variant Classification Summary - May 2015. Collection method: clinical testing. Allele origin: germline.
Comment: Variant summary: ATP7B c.865C>T (p.Gln289X) results in a premature termination codon, predicted to cause a truncation of the encoded protein or absence of the protein due to nonsense mediated decay, which are commonly known mechanisms for disease. The variant allele was found at a frequency of 2.8e-05 in 248088 control chromosomes (gnomAD). c.865C>T has been reported in the literature in several homozygous and compound heterozygous individuals affected with Wilson Disease (e.g. Waldenstrom_1996, Panagiotakaki_2004, Manolaki_2009). These data indicate that the variant is very likely to be associated with disease. To our knowledge, no experimental evidence demonstrating an impact on protein function has been reported. Two submitters have provided clinical-significance assessments for this variant to ClinVar after 2014 without evidence for independent evaluation, and both laboratories classified the variant as pathogenic/likely pathogenic. Based on the evidence outlined above, the variant was classified as pathogenic.

Center for Pediatric Genomic Medicine, Children's Mercy Hospital and Clinics
Classification: Likely pathogenic. Last evaluated: 2017-05-01. Review status: criteria provided, single submitter. Criteria: ACMG Guidelines, 2015. Collection method: clinical testing. Allele origin: germline.

GeneDx
Classification: Pathogenic. Last evaluated: 2016-12-30. Review status: criteria provided, single submitter. Criteria: GeneDx Variant Classification (06012015). Collection method: clinical testing. Allele origin: germline. Affected: yes.
Comment: The Q289X nonsense variant in the ATP7B gene has been reported to be a common pathogenic variant in the Greek population and has been reported with severe, early-onset Wilson disease (WaldenstrÃ¶m et al., 1996; Panagiotakaki et al., 2004; Manolaki et al., 2009; Behari et al., 2010). This pathogenic variant is predicted to cause loss of normal protein function either through protein truncation or nonsense-mediated mRNA decay.

Neuberg Centre For Genomic Medicine, NCGM
Classification: Pathogenic for Wilson disease. Review status: criteria provided, single submitter. Criteria: ACMG Guidelines, 2015. Collection method: clinical testing. Allele origin: germline. Inheritance: Autosomal recessive inheritance. Affected: yes.
Comment: The stop gained c.865C>Tp.Gln289Ter variant in ATP7B gene has been reported previously in homozygous or compound heterozygous state in individuals affected with Wilson disease Dedoussis et al., 2005. This variant is reported with the allele frequency of 0.003% in the gnomAD Exomes and novel in 1000 Genomes. This variant has been reported to the ClinVar database as Likely Pathogenic / Pathogenic multiple submitters. This variant is predicted to cause loss of normal protein function either through protein truncation or nonsense-mediated mRNA decay. It is expected to result in an absent or disrupted protein product. Loss-of-function variants in ATP7B are known to be pathogenic Gromadzka et al., 2005. It has also been observed to segregate with disease in related individuals.For these reasons, this variant has been classified as Pathogenic.

Counsyl
Classification: Pathogenic for Wilson disease. Last evaluated: 2017-12-15. Review status: no assertion criteria provided. Collection method: clinical testing. Allele origin: unknown. Not counted in ClinVar's aggregate classification.

OMIM
Classification: Pathogenic for WILSON DISEASE. Last evaluated: 2005-05-01. Review status: no assertion criteria provided. Collection method: literature only. Allele origin: germline. Not counted in ClinVar's aggregate classification.

Literature cited by the submitters: PubMed 10441329 (cited by Labcorp Genetics (formerly Invitae), Labcorp); PubMed 16283883 (cited by Labcorp Genetics (formerly Invitae), Labcorp); PubMed 15523622 (cited by 6 submitters); PubMed 15845031 (cited by 7 submitters); PubMed 18403153 (cited by 3 submitters); PubMed 19172127 (cited by 6 submitters); PubMed 8938442 (cited by 6 submitters); PubMed 9801873 (cited by 3 submitters); PubMed 22677543 (cited by 4 submitters); PubMed 23518715 (cited by 4 submitters); PubMed 22735241 (cited by Laboratory for Molecular Medicine, Mass General Brigham Personalized Medicine); PubMed 21901653 (cited by Laboratory for Molecular Medicine, Mass General Brigham Personalized Medicine); PubMed 25525159 (cited by Mayo Clinic Laboratories, Mayo Clinic); PubMed 18371106 (cited by Mayo Clinic Laboratories, Mayo Clinic); PubMed 26580967 (cited by Mayo Clinic Laboratories, Mayo Clinic); PubMed 17410460 (cited by Mayo Clinic Laboratories, Mayo Clinic).